The following is an entry in ClinVar:

NM_001042492.3(NF1):c.1392+5G>A

Gene: NF1 (neurofibromin 1; plus strand). Cytogenetic location: 17q11.2.
Variant type: single nucleotide variant.
Coding change: c.1392+5G>A on transcript NM_001042492.3 (MANE Select); 5 bases into the intron after coding-DNA position 1392, G replaced by A.
Molecular consequence: intron variant.
Genome position (GRCh38, 1-based): chr17:31,206,376, G>A. VCF-style: chr17-31206376-G-A. GRCh37 (hg19) VCF-style: chr17-29533394-G-A.
Other names: c.1392+5G>A (NM_000267.4, NM_001128147.3).
Identifiers: ClinVar variation 481888 (VCV000481888.12), dbSNP rs199999754, ClinGen allele CA658656585.
Genomic context (GRCh38, chr17:31,206,376, plus strand): 5'-CACTTCATAAAGCAGTGCAAGGTTGTGGAGCACACCCAGCAATACGAATGGCACCGGTAA[G>A]ATAAATCACGAATTTTGAATCTCACCTCCTTTCTATTGCATTTTTTTTAGTGTCTTTATC-3'

ClinVar aggregate classification (germline): Uncertain significance. Review status: criteria provided, multiple submitters, no conflicts (2 of 4 stars). 5 submissions from 5 submitters: Uncertain significance (5). Last evaluated 2024-04-29.

Conditions:
Hereditary cancer-predisposing syndrome. Also called: Hereditary neoplastic syndrome; Neoplastic Syndromes, Hereditary; Tumor predisposition; Hereditary Cancer Syndrome. Identifiers: Orphanet 140162, MedGen C0027672, MeSH D009386, MONDO:0015356.
Juvenile myelomonocytic leukemia (JMML). Also called: LEUKEMIA, JUVENILE MYELOMONOCYTIC, SOMATIC. Identifiers: Orphanet 86834, MedGen C0349639, MONDO:0011908, OMIM 607785, HP:0012209.
Neurofibromatosis-Noonan syndrome (NFNS). Also called: NEUROFIBROMATOSIS WITH NOONAN PHENOTYPE. Identifiers: Orphanet 638, MedGen C2931482, MONDO:0011035, OMIM 601321. Disease mechanism: loss of function.
Neurofibromatosis, familial spinal (FSNF). Identifiers: Orphanet 636, MedGen C1834235, MONDO:0008078, OMIM 162210. Disease mechanism: loss of function.
Neurofibromatosis, type 1 (NF1). Also called: VON RECKLINGHAUSEN DISEASE; Peripheral type neurofibromatosis; NEUROFIBROMATOSIS, TYPE I, SOMATIC; Neurofibromatosis, type I. Identifiers: Orphanet 636, MedGen C0027831, MONDO:0018975, OMIM 162200. Disease mechanism: loss of function.
Café-au-lait macules with pulmonary stenosis (WTSN). Also called: PULMONIC STENOSIS WITH CAFE-AU-LAIT SPOTS. Identifiers: MedGen C0553586, MONDO:0008672, OMIM 193520.

Submissions (5):

Labcorp Genetics (formerly Invitae), Labcorp
Classification: Uncertain significance for Neurofibromatosis, type 1. Last evaluated: 2024-04-29. Review status: criteria provided, single submitter. Criteria: Invitae Variant Classification Sherloc (09022015). Collection method: clinical testing. Allele origin: germline.
Comment: This sequence change falls in intron 12 of the NF1 gene. It does not directly change the encoded amino acid sequence of the NF1 protein. It affects a nucleotide within the consensus splice site. This variant is not present in population databases (gnomAD no frequency). This variant has not been reported in the literature in individuals affected with NF1-related conditions. ClinVar contains an entry for this variant (Variation ID: 481888). Variants that disrupt the consensus splice site are a relatively common cause of aberrant splicing (PMID: 17576681, 9536098). Algorithms developed to predict the effect of sequence changes on RNA splicing suggest that this variant is not likely to affect RNA splicing. In summary, the available evidence is currently insufficient to determine the role of this variant in disease. Therefore, it has been classified as a Variant of Uncertain Significance.

Fulgent Genetics
Classification: Uncertain significance for Neurofibromatosis, type 1; Neurofibromatosis, familial spinal; Café-au-lait macules with pulmonary stenosis; Neurofibromatosis-Noonan syndrome; Juvenile myelomonocytic leukemia. Last evaluated: 2024-03-07. Review status: criteria provided, single submitter. Criteria: ACMG Guidelines, 2015. Collection method: clinical testing. Allele origin: germline.

Baylor Genetics
Classification: Uncertain significance for Juvenile myelomonocytic leukemia. Last evaluated: 2022-03-30. Review status: criteria provided, single submitter. Criteria: ACMG Guidelines, 2015. Collection method: clinical testing. Allele origin: unknown.

Genome-Nilou Lab
Classification: Uncertain significance for Neurofibromatosis, type 1. Last evaluated: 2022-03-15. Review status: criteria provided, single submitter. Criteria: ACMG Guidelines, 2015. Collection method: clinical testing. Allele origin: germline. Affected: no.

Ambry Genetics
Classification: Uncertain significance for Hereditary cancer-predisposing syndrome. Last evaluated: 2016-03-01. Review status: criteria provided, single submitter. Criteria: Ambry Autosomal Dominant and X-Linked criteria (10/2015). Collection method: clinical testing. Allele origin: germline. Observed: 1 variant allele.
Comment: The c.1392+5G>A intronic variant results from a G to A substitution 5 nucleotides after coding exon 12 in the NF1 gene. This variant was not reported in population based cohorts in the following databases: Database of Single Nucleotide Polymorphisms (dbSNP), NHLBI Exome Sequencing Project (ESP), and 1000 Genomes Project. In the ESP, this variant was not observed in 6503 samples (13006 alleles) with coverage at this position. To date, this alteration has been detected with an allele frequency of approximately 0.01% (greater than 10000alleles tested) in our clinical cohort.This nucleotide position is highly conserved in available vertebrate species. Using the BDGP and ESEfinder splice site prediction tools, this alteration is predicted to weaken the efficiency of the native splice donor site; however, direct evidence is unavailable.Since supporting evidence is limited at this time, the clinical significance of this alterationremains unclear.

Literature cited by the submitters: PubMed 17576681 (cited by Labcorp Genetics (formerly Invitae), Labcorp); PubMed 9536098 (cited by Labcorp Genetics (formerly Invitae), Labcorp).